The following is an entry in ClinVar:

ClinVar aggregate classification (germline): Uncertain significance (1 of 4 stars; one submission).

Conditions:
Early-infantile DEE. Also called: Ohtahara syndrome; Early infantile epileptic encephalopathy with suppression bursts; Early infantile epileptic encephalopathy. Identifiers: Orphanet 1934, MedGen C0393706, MONDO:0800491.

Allele frequency attached by ClinVar (database versions not stated): gnomAD exomes 0.00001.
gnomAD v4.1: 52 of 1,614,012 alleles (0.0032%); highest among the groups gnomAD compares: Non-Finnish European, 0.0044%; no homozygotes.

Submission:

Labcorp Genetics (formerly Invitae), Labcorp
Classification: Uncertain significance for Early-infantile DEE. Last evaluated: 2025-12-22. Review status: criteria provided, single submitter. Criteria: Invitae Variant Classification Sherloc (09022015). Collection method: clinical testing. Allele origin: germline.
Comment: This sequence change replaces phenylalanine, which is neutral and non-polar, with leucine, which is neutral and non-polar, at codon 1574 of the SCN8A protein (p.Phe1574Leu). This variant is present in population databases (no rsID available, gnomAD 0.002%). This variant has not been reported in the literature in individuals affected with SCN8A-related conditions. ClinVar contains an entry for this variant (Variation ID: 1064040). Invitae Evidence Modeling of protein sequence and biophysical properties (such as structural, functional, and spatial information, amino acid conservation, physicochemical variation, residue mobility, and thermodynamic stability) indicates that this missense variant is not expected to disrupt SCN8A protein function with a negative predictive value of 95%. In summary, the available evidence is currently insufficient to determine the role of this variant in disease. Therefore, it has been classified as a Variant of Uncertain Significance.

NM_001330260.2(SCN8A):c.4722T>G (p.Phe1574Leu)

Gene: SCN8A (sodium voltage-gated channel alpha subunit 8; plus strand). Cytogenetic location: 12q13.13.
Variant type: single nucleotide variant.
Coding change: c.4722T>G on transcript NM_001330260.2 (MANE Select); coding-DNA position 4722, T replaced by G.
Protein change: p.Phe1574Leu; replaces phenylalanine 1574 with leucine.
Molecular consequence: missense variant.
Genome position (GRCh38, 1-based): chr12:51,794,568, T>G. VCF-style: chr12-51794568-T-G. GRCh37 (hg19) VCF-style: chr12-52188352-T-G.
Other names: c.4599T>G, p.Phe1533Leu (NM_001177984.3, NM_001369788.1); c.4722T>G, p.Phe1574Leu (NM_014191.4); short protein forms F1533L, F1574L.
Identifiers: ClinVar variation 1064040 (VCV001064040.8), dbSNP rs1377093609, ClinGen allele CA384879220.